The following is an entry in ClinVar:

NM_001130823.3(DNMT1):c.891+8C>T

Gene: DNMT1 (DNA methyltransferase 1; minus strand). Cytogenetic location: 19p13.2.
Variant type: single nucleotide variant.
Coding change: c.891+8C>T on transcript NM_001130823.3 (MANE Select); 8 bases into the intron after coding-DNA position 891, C replaced by T.
Molecular consequence: intron variant.
Genome position (GRCh38, 1-based): chr19:10,166,590, G>A on the plus strand (C>T on the coding strand, the complement: DNMT1 is on the minus strand). VCF-style: chr19-10166590-G-A. GRCh37 (hg19) VCF-style: chr19-10277266-G-A.
Other names: p.?; c.891+8C>T (LRG_362t1, NM_001130823.2); c.528+8C>T (NM_001318731.2); c.843+8C>T (NM_001379.4, NM_001318730.2).
Identifiers: ClinVar variation 193835 (VCV000193835.59), dbSNP rs117294281, ClinGen allele CA200813.

ClinVar aggregate classification (germline): Benign/Likely benign. Review status: criteria provided, multiple submitters, no conflicts (2 of 4 stars). 12 submissions from 12 submitters: Benign (5); Likely benign (4). 3 of the submissions do not count toward it. Last evaluated 2026-09-01.

Conditions:
DNMT1-related disorder. Also called: DNMT1-related condition. Identifiers: MedGen CN381527.
Hereditary sensory neuropathy-deafness-dementia syndrome. Also called: NEUROPATHY, HEREDITARY SENSORY, WITH HEARING LOSS AND DEMENTIA; Hereditary Sensory and Autonomic Neuropathy Type 1E (HSAN1E); Hereditary sensory neuropathy type IE; HSN IE. Identifiers: Orphanet 456318, MedGen C3279885, MONDO:0013584, OMIM 614116.

Allele frequency attached by ClinVar (database versions not stated): 1000 Genomes Project 30x 0.00141; 1000 Genomes Project 0.00180; gnomAD 0.00299 and 0.00310; TOPMed 0.00316; ESP Exome Variant Server 0.00346; gnomAD exomes 0.00423 and 0.00487; ExAC 0.00470.
gnomAD v4.1: 6,774 of 1,613,950 alleles (0.42%); highest among the groups gnomAD compares: Middle Eastern, 6.5%; 62 homozygotes.

Submissions (24):

CeGaT Center for Human Genetics Tuebingen
Classification: Likely benign. Last evaluated: 2026-09-01. Review status: criteria provided, single submitter. Criteria: CeGaT Center For Human Genetics Tuebingen Variant Classification Criteria Version 2. Collection method: clinical testing. Allele origin: germline. Affected: yes. Observed: 39 variant alleles.
Comment: DNMT1: BS2

Labcorp Genetics (formerly Invitae), Labcorp
Classification: Benign for Hereditary sensory neuropathy-deafness-dementia syndrome. Last evaluated: 2026-01-26. Review status: criteria provided, single submitter. Criteria: Invitae Variant Classification Sherloc (09022015). Collection method: clinical testing. Allele origin: germline.

PreventionGenetics, part of Exact Sciences
Classification: Benign for DNMT1-related condition. Last evaluated: 2025-03-06. Review status: criteria provided, single submitter. Criteria: ACMG Guidelines, 2015. Collection method: clinical testing. Allele origin: germline.
Comment: This variant is classified as benign based on ACMG/AMP sequence variant interpretation guidelines (Richards et al. 2015 PMID: 25741868, with internal and published modifications).

ARUP Laboratories, Molecular Genetics and Genomics, ARUP Laboratories
Classification: Likely benign. Last evaluated: 2024-10-03. Review status: criteria provided, single submitter. Criteria: ARUP Molecular Germline Variant Investigation Process 2024. Collection method: clinical testing. Allele origin: germline.

Mayo Clinic Laboratories, Mayo Clinic
Classification: Benign. Last evaluated: 2021-04-29. Review status: criteria provided, single submitter. Criteria: ACMG Guidelines, 2015. Collection method: clinical testing. Allele origin: germline. Observed: 23 variant alleles.

Illumina Laboratory Services, Illumina
Classification: Benign for Hereditary sensory neuropathy-deafness-dementia syndrome. Last evaluated: 2018-01-12. Review status: criteria provided, single submitter. Criteria: ICSL Variant Classification Criteria 13 December 2019. Collection method: clinical testing. Allele origin: germline.
Comment: This variant was observed in the ICSL laboratory as part of a predisposition screen in an ostensibly healthy population. It had not been previously curated by ICSL or reported in the Human Gene Mutation Database (HGMD: prior to June 1st, 2018), and was therefore a candidate for classification through an automated scoring system. Utilizing variant allele frequency, disease prevalence and penetrance estimates, and inheritance mode, an automated score was calculated to assess if this variant is too frequent to cause the disease. Based on the score and internal cut-off values, a variant classified as benign is not then subjected to further curation. The score for this variant resulted in a classification of benign for this disease.

GeneDx
Classification: Benign. Last evaluated: 2016-06-21. Review status: criteria provided, single submitter. Criteria: GeneDx Variant Classification (06012015). Collection method: clinical testing. Allele origin: germline. Affected: yes.
Comment: This variant is considered likely benign or benign based on one or more of the following criteria: it is a conservative change, it occurs at a poorly conserved position in the protein, it is predicted to be benign by multiple in silico algorithms, and/or has population frequency not consistent with disease.

Eurofins Ntd Llc (ga)
Classification: Likely benign. Last evaluated: 2014-12-02. Review status: criteria provided, single submitter. Criteria: EGL Classification Definitions 2015. Collection method: clinical testing. Allele origin: germline. Observed: 2 variant alleles, 2 heterozygotes.

Breakthrough Genomics
Classification: Likely benign. Review status: criteria provided, single submitter. Criteria: ACMG Guidelines, 2015. Collection method: not provided. Allele origin: germline. Inheritance: Autosomal dominant inheritance. Affected: yes.

Clinical Genetics, Academic Medical Center
Classification: Benign. Review status: no assertion criteria provided. Collection method: clinical testing. Allele origin: germline. Affected: yes. Study: VKGL Data-share Consensus. Not counted in ClinVar's aggregate classification.

Dr. Peter K. Rogan Lab, Western University
No classification provided (evidence only). Condition: Clear cell carcinoma of kidney. Review status: no classification provided. Collection method: in vitro. Allele origin: not applicable. Functional consequence: retained intron. Not counted in ClinVar's aggregate classification.

Dr. Peter K. Rogan Lab, Western University
No classification provided (evidence only). Condition: Clear cell carcinoma of kidney. Review status: no classification provided. Collection method: in vitro. Allele origin: not applicable. Functional consequence: retained intron. Not counted in ClinVar's aggregate classification.

Dr. Peter K. Rogan Lab, Western University
No classification provided (evidence only). Condition: Acute myeloid leukemia. Review status: no classification provided. Collection method: in vitro. Allele origin: not applicable. Functional consequence: retained intron. Not counted in ClinVar's aggregate classification.

Dr. Peter K. Rogan Lab, Western University
No classification provided (evidence only). Condition: Cervical cancer. Review status: no classification provided. Collection method: in vitro. Allele origin: not applicable. Functional consequence: cryptic splice site, retained intron. Not counted in ClinVar's aggregate classification.

Dr. Peter K. Rogan Lab, Western University
No classification provided (evidence only). Condition: Sarcoma. Review status: no classification provided. Collection method: in vitro. Allele origin: not applicable. Functional consequence: cryptic splice site. Not counted in ClinVar's aggregate classification.

Dr. Peter K. Rogan Lab, Western University
No classification provided (evidence only). Condition: Sarcoma. Review status: no classification provided. Collection method: in vitro. Allele origin: not applicable. Functional consequence: cryptic splice site. Not counted in ClinVar's aggregate classification.

Dr. Peter K. Rogan Lab, Western University
No classification provided (evidence only). Condition: Thymoma. Review status: no classification provided. Collection method: in vitro. Allele origin: not applicable. Functional consequence: cryptic splice site, retained intron. Not counted in ClinVar's aggregate classification.

Dr. Peter K. Rogan Lab, Western University
No classification provided (evidence only). Condition: Ovarian serous cystadenocarcinoma. Review status: no classification provided. Collection method: in vitro. Allele origin: not applicable. Functional consequence: retained intron. Not counted in ClinVar's aggregate classification.

Dr. Peter K. Rogan Lab, Western University
No classification provided (evidence only). Condition: Malignant tumor of esophagus. Review status: no classification provided. Collection method: in vitro. Allele origin: not applicable. Functional consequence: retained intron. Not counted in ClinVar's aggregate classification.

Dr. Peter K. Rogan Lab, Western University
No classification provided (evidence only). Condition: Malignant tumor of esophagus. Review status: no classification provided. Collection method: in vitro. Allele origin: not applicable. Functional consequence: retained intron. Not counted in ClinVar's aggregate classification.

Dr. Peter K. Rogan Lab, Western University
No classification provided (evidence only). Condition: Malignant tumor of esophagus. Review status: no classification provided. Collection method: in vitro. Allele origin: not applicable. Functional consequence: retained intron. Not counted in ClinVar's aggregate classification.

Dr. Peter K. Rogan Lab, Western University
No classification provided (evidence only). Condition: Malignant tumor of esophagus. Review status: no classification provided. Collection method: in vitro. Allele origin: not applicable. Functional consequence: retained intron. Not counted in ClinVar's aggregate classification.

Genome Diagnostics Laboratory, University Medical Center Utrecht
Classification: Likely benign. Review status: no assertion criteria provided. Collection method: clinical testing. Allele origin: germline. Affected: yes. Study: VKGL Data-share Consensus. Not counted in ClinVar's aggregate classification.

Laboratory of Diagnostic Genome Analysis, Leiden University Medical Center (LUMC)
Classification: Likely benign. Review status: no assertion criteria provided. Collection method: clinical testing. Allele origin: germline. Affected: yes. Study: VKGL Data-share Consensus. Not counted in ClinVar's aggregate classification.